The following is an entry in ClinVar:

ClinVar aggregate classification (germline): Uncertain significance. Review status: criteria provided, multiple submitters, no conflicts (2 of 4 stars). 5 submissions from 5 submitters: Uncertain significance (5). Last evaluated 2025-11-09.

Conditions:
Cardiovascular phenotype. Identifiers: MedGen CN230736.
Catecholaminergic polymorphic ventricular tachycardia 2. Also called: VENTRICULAR TACHYCARDIA, STRESS-INDUCED POLYMORPHIC 2; CASQ2-Related Catecholaminergic Polymorphic Ventricular Tachycardia. Identifiers: Orphanet 3286, MedGen C2677794, MONDO:0012762, OMIM 611938.
Catecholaminergic polymorphic ventricular tachycardia 1. Also called: VENTRICULAR TACHYCARDIA, STRESS-INDUCED POLYMORPHIC 1; VENTRICULAR TACHYCARDIA, CATECHOLAMINERGIC POLYMORPHIC, 1, WITH OR WITHOUT ATRIAL DYSFUNCTION AND/OR DILATED CARDIOMYOPATHY; RYR2-Related Catecholaminergic Polymorphic Ventricular Tachycardia. Identifiers: Orphanet 3286, MedGen C1631597, MONDO:0011484, OMIM 604772.

Allele frequency attached by ClinVar (database versions not stated): TOPMed 0.00001; ExAC 0.00002; gnomAD 0.00002.
gnomAD v4.1: 23 of 1,613,824 alleles (0.0014%); highest among the groups gnomAD compares: Admixed American, 0.0033%; 1 homozygote.

Submissions (5):

Labcorp Genetics (formerly Invitae), Labcorp
Classification: Uncertain significance for Catecholaminergic polymorphic ventricular tachycardia 1. Last evaluated: 2025-11-09. Review status: criteria provided, single submitter. Criteria: Invitae Variant Classification Sherloc (09022015). Collection method: clinical testing. Allele origin: germline.
Comment: This sequence change replaces arginine, which is basic and polar, with cysteine, which is neutral and slightly polar, at codon 160 of the CASQ2 protein (p.Arg160Cys). This variant is present in population databases (rs750680032, gnomAD 0.004%). This variant has not been reported in the literature in individuals affected with CASQ2-related conditions. ClinVar contains an entry for this variant (Variation ID: 966355). Invitae Evidence Modeling of protein sequence and biophysical properties (such as structural, functional, and spatial information, amino acid conservation, physicochemical variation, residue mobility, and thermodynamic stability) indicates that this missense variant is not expected to disrupt CASQ2 protein function with a negative predictive value of 80%. In summary, the available evidence is currently insufficient to determine the role of this variant in disease. Therefore, it has been classified as a Variant of Uncertain Significance.

Ambry Genetics
Classification: Uncertain significance for Cardiovascular phenotype. Last evaluated: 2025-09-21. Review status: criteria provided, single submitter. Criteria: Ambry Variant Classification Scheme 2023. Collection method: clinical testing. Allele origin: germline.
Comment: The p.R160C variant (also known as c.478C>T), located in coding exon 4 of the CASQ2 gene, results from a C to T substitution at nucleotide position 478. The arginine at codon 160 is replaced by cysteine, an amino acid with highly dissimilar properties. This amino acid position is conserved. In addition, the in silico prediction for this alteration is inconclusive. Since supporting evidence is limited at this time, the clinical significance of this alteration remains unclear.

GeneDx
Classification: Uncertain significance. Last evaluated: 2025-07-02. Review status: criteria provided, single submitter. Criteria: GeneDx Variant Classification Process June 2021. Collection method: clinical testing. Allele origin: germline. Affected: yes.
Comment: Has not been previously published as pathogenic or benign to our knowledge; Not observed at significant frequency in large population cohorts (gnomAD); In silico analysis supports that this missense variant has a deleterious effect on protein structure/function

Blueprint Genetics
Classification: Uncertain significance. Last evaluated: 2024-06-07. Review status: criteria provided, single submitter. Criteria: ACMG Guidelines, 2015. Collection method: clinical testing. Allele origin: germline.

Genome-Nilou Lab
Classification: Uncertain significance for Catecholaminergic polymorphic ventricular tachycardia 2. Last evaluated: 2023-04-11. Review status: criteria provided, single submitter. Criteria: ACMG Guidelines, 2015. Collection method: clinical testing. Allele origin: germline. Affected: no.

NM_001232.4(CASQ2):c.478C>T (p.Arg160Cys)

Gene: CASQ2 (calsequestrin 2; minus strand). Cytogenetic location: 1p13.1.
Variant type: single nucleotide variant.
Coding change: c.478C>T on transcript NM_001232.4 (MANE Select); coding-DNA position 478, C replaced by T.
Protein change: p.Arg160Cys; replaces arginine 160 with cysteine.
Molecular consequence: missense variant.
Genome position (GRCh38, 1-based): chr1:115,738,278, G>A on the plus strand (C>T on the coding strand, the complement: CASQ2 is on the minus strand). VCF-style: chr1-115738278-G-A. GRCh37 (hg19) VCF-style: chr1-116280899-G-A.
Other names: short protein forms R160C.
Identifiers: ClinVar variation 966355 (VCV000966355.13), dbSNP rs750680032, ClinGen allele CA1023898.